The following is an entry in ClinVar:

ClinVar aggregate classification (germline): Uncertain significance. Review status: criteria provided, multiple submitters, no conflicts (2 of 4 stars). 5 submissions from 5 submitters: Uncertain significance (5). Last evaluated 2026-09-01.

Allele frequency attached by ClinVar (database versions not stated): gnomAD 0.00001 and 0.00002; gnomAD exomes 0.00006 and 0.00008; ExAC 0.00007; ESP Exome Variant Server 0.00008; TOPMed 0.00002.

Submissions (5):

CeGaT Center for Human Genetics Tuebingen
Classification: Uncertain significance. Last evaluated: 2026-09-01. Review status: criteria provided, single submitter. Criteria: CeGaT Center For Human Genetics Tuebingen Variant Classification Criteria Version 2. Collection method: clinical testing. Allele origin: germline. Affected: yes. Observed: 1 variant allele.
Comment: ESRRB: PM2

GeneDx
Classification: Uncertain significance. Last evaluated: 2025-05-27. Review status: criteria provided, single submitter. Criteria: GeneDx Variant Classification Process June 2021. Collection method: clinical testing. Allele origin: germline. Affected: yes.
Comment: In silico analysis supports that this missense variant has a deleterious effect on protein structure/function; Has not been previously published as pathogenic or benign to our knowledge

Blueprint Genetics
Classification: Uncertain significance. Last evaluated: 2023-03-16. Review status: criteria provided, single submitter. Criteria: ACMG Guidelines, 2015. Collection method: clinical testing. Allele origin: germline.

Ambry Genetics
Classification: Uncertain significance. Last evaluated: 2023-01-06. Review status: criteria provided, single submitter. Criteria: Ambry Variant Classification Scheme 2023. Collection method: clinical testing. Allele origin: germline.

Labcorp Genetics (formerly Invitae), Labcorp
Classification: Uncertain significance. Last evaluated: 2021-10-25. Review status: criteria provided, single submitter. Criteria: Invitae Variant Classification Sherloc (09022015). Collection method: clinical testing. Allele origin: germline.
Comment: This sequence change replaces arginine with tryptophan at codon 188 of the ESRRB protein (p.Arg188Trp). The arginine residue is moderately conserved and there is a moderate physicochemical difference between arginine and tryptophan. This variant is present in population databases (rs370122804, ExAC 0.03%). This variant has not been reported in the literature in individuals affected with ESRRB-related conditions. Algorithms developed to predict the effect of missense changes on protein structure and function are either unavailable or do not agree on the potential impact of this missense change (SIFT: "Deleterious"; PolyPhen-2: "Probably Damaging"; Align-GVGD: "Class C0"). In summary, the available evidence is currently insufficient to determine the role of this variant in disease. Therefore, it has been classified as a Variant of Uncertain Significance.

NM_001379180.1(ESRRB):c.625C>T (p.Arg209Trp)

Gene: ESRRB (estrogen related receptor beta; plus strand). Cytogenetic location: 14q24.3.
Variant type: single nucleotide variant.
Coding change: c.625C>T on transcript NM_001379180.1 (MANE Select); coding-DNA position 625, C replaced by T.
Protein change: p.Arg209Trp; replaces arginine 209 with tryptophan.
Molecular consequence: missense variant.
Genome position (GRCh38, 1-based): chr14:76,482,063, C>T. VCF-style: chr14-76482063-C-T. GRCh37 (hg19) VCF-style: chr14-76948406-C-T.
Other names: c.562C>T (NM_004452.3); c.562C>T, p.Arg188Trp (NM_004452.4); short protein forms R209W, R188W.
Identifiers: ClinVar variation 1370126 (VCV001370126.8), dbSNP rs370122804, ClinGen allele CA7281639.